The following is an entry in ClinVar:

ClinVar aggregate classification (germline): Likely benign (1 of 4 stars; one submission).

Allele frequency attached by ClinVar (database versions not stated): 1000 Genomes Project 0.00399; 1000 Genomes Project 30x 0.00422; TOPMed 0.01231; gnomAD 0.01279 and 0.01307.
gnomAD v4.1: 1,932 of 152,204 alleles (1.3%); highest among the groups gnomAD compares: Non-Finnish European, 2.3%; 23 homozygotes.

Submission:

GeneDx
Classification: Likely benign. Last evaluated: 2018-06-16. Review status: criteria provided, single submitter. Criteria: GeneDx Variant Classification (06012015). Collection method: clinical testing. Allele origin: germline. Affected: yes.
Comment: This variant is considered likely benign or benign based on one or more of the following criteria: it is a conservative change, it occurs at a poorly conserved position in the protein, it is predicted to be benign by multiple in silico algorithms, and/or has population frequency not consistent with disease.

NM_001854.4(COL11A1):c.3708+182G>T

Gene: COL11A1 (collagen type XI alpha 1 chain; minus strand). Cytogenetic location: 1p21.1.
Variant type: single nucleotide variant.
Coding change: c.3708+182G>T on transcript NM_001854.4 (MANE Select); 182 bases into the intron after coding-DNA position 3708, G replaced by T.
Molecular consequence: intron variant.
Genome position (GRCh38, 1-based): chr1:102,921,336, C>A on the plus strand (G>T on the coding strand, the complement: COL11A1 is on the minus strand). VCF-style: chr1-102921336-C-A. GRCh37 (hg19) VCF-style: chr1-103386892-C-A.
Other names: c.3591+182G>T (NM_001190709.2); c.3744+182G>T (NM_080629.3); c.3360+182G>T (NM_080630.4).
Identifiers: ClinVar variation 679062 (VCV000679062.1), dbSNP rs74984164, ClinGen allele CA27682281.